The following is an entry in ClinVar:

ClinVar aggregate classification (germline): Likely benign (1 of 4 stars; one submission).

Submission:

CeGaT Center for Human Genetics Tuebingen
Classification: Likely benign. Last evaluated: 2024-10-01. Review status: criteria provided, single submitter. Criteria: CeGaT Center For Human Genetics Tuebingen Variant Classification Criteria Version 2. Collection method: clinical testing. Allele origin: germline. Affected: yes. Observed: 1 variant allele.
Comment: HERC1: PM2:Supporting, BP4, BP7

NM_003922.4(HERC1):c.10470A>G (p.Ser3490=)

Gene: HERC1 (HECT and RLD domain containing E3 ubiquitin protein ligase family member 1; minus strand). Cytogenetic location: 15q22.31.
Variant type: single nucleotide variant.
Coding change: c.10470A>G on transcript NM_003922.4 (MANE Select); coding-DNA position 10470, A replaced by G.
Protein change: p.Ser3490=; no amino-acid change (serine 3490 retained).
Molecular consequence: synonymous variant.
Genome position (GRCh38, 1-based): chr15:63,651,329, T>C on the plus strand (A>G on the coding strand, the complement: HERC1 is on the minus strand). VCF-style: chr15-63651329-T-C. GRCh37 (hg19) VCF-style: chr15-63943528-T-C.
Identifiers: ClinVar variation 3389872 (VCV003389872.14).